The following is an entry in ClinVar:

ClinVar aggregate classification (germline): Uncertain significance (1 of 4 stars; one submission).

Conditions:
Inborn genetic diseases. Identifiers: MedGen C0950123, MeSH D030342.

Submission:

Ambry Genetics
Classification: Uncertain significance for Inborn genetic diseases. Last evaluated: 2025-12-22. Review status: criteria provided, single submitter. Criteria: Ambry Variant Classification Scheme 2023. Collection method: clinical testing. Allele origin: germline.
Comment: The p.L96Q variant (also known as c.287T>A), located in coding exon 1 of the FANCM gene, results from a T to A substitution at nucleotide position 287. The leucine at codon 96 is replaced by glutamine, an amino acid with dissimilar properties. This amino acid position is conserved. In addition, the in silico prediction for this alteration is inconclusive. Based on the available evidence, the clinical significance of this variant remains unclear.

NM_020937.4(FANCM):c.287T>A (p.Leu96Gln)

Gene: FANCM (FA complementation group M; plus strand). Cytogenetic location: 14q21.2.
Variant type: single nucleotide variant.
Coding change: c.287T>A on transcript NM_020937.4 (MANE Select); coding-DNA position 287, T replaced by A.
Protein change: p.Leu96Gln; replaces leucine 96 with glutamine.
Molecular consequence: missense variant.
Genome position (GRCh38, 1-based): chr14:45,136,318, T>A. VCF-style: chr14-45136318-T-A. GRCh37 (hg19) VCF-style: chr14-45605521-T-A.
Other names: c.287T>A, p.Leu96Gln (NM_001308133.2, NM_001308134.2); short protein forms L96Q.
Identifiers: ClinVar variation 4841741 (VCV004841741.1).